The following is an entry in ClinVar:

NM_012254.3(SLC27A5):c.222C>T (p.Thr74=)

Gene: SLC27A5 (solute carrier family 27 member 5; minus strand). Cytogenetic location: 19q13.43.
Variant type: single nucleotide variant.
Coding change: c.222C>T on transcript NM_012254.3 (MANE Select); coding-DNA position 222, C replaced by T.
Protein change: p.Thr74=; no amino-acid change (threonine 74 retained).
Molecular consequence: synonymous variant.
Genome position (GRCh38, 1-based): chr19:58,511,734, G>A on the plus strand (C>T on the coding strand, the complement: SLC27A5 is on the minus strand). VCF-style: chr19-58511734-G-A. GRCh37 (hg19) VCF-style: chr19-59023101-G-A.
Other names: c.222C>T, p.Thr74= (NM_001321196.2).
Identifiers: ClinVar variation 4989838 (VCV004989838.1).

ClinVar aggregate classification (germline): Likely benign (1 of 4 stars; one submission).

Conditions:
SLC27A5-related disorder. Also called: SLC27A5-related condition.

Submission:

PreventionGenetics, part of Exact Sciences
Classification: Likely benign for SLC27A5-related condition. Last evaluated: 2024-12-30. Review status: criteria provided, single submitter. Criteria: ACMG Guidelines, 2015. Collection method: clinical testing. Allele origin: germline.
Comment: This variant is classified as likely benign based on ACMG/AMP sequence variant interpretation guidelines (Richards et al. 2015 PMID: 25741868, with internal and published modifications).